The following is an entry in ClinVar:

NM_001370658.1(BTD):c.944C>T (p.Ala315Val)

Gene: BTD (biotinidase; plus strand). Cytogenetic location: 3p25.1.
Variant type: single nucleotide variant.
Coding change: c.944C>T on transcript NM_001370658.1 (MANE Select); coding-DNA position 944, C replaced by T.
Protein change: p.Ala315Val; replaces alanine 315 with valine.
Molecular consequence: missense variant. On other transcripts: intron variant (1).
Genome position (GRCh38, 1-based): chr3:15,644,860, C>T. VCF-style: chr3-15644860-C-T. GRCh37 (hg19) VCF-style: chr3-15686367-C-T.
Other names: c.944C>T, p.Ala315Val (NM_001407370.1, NM_001407371.1, NM_001407372.1 and 18 more transcripts); c.399+2803C>T (NM_001370753.1); c.1004C>T, p.Ala335Val (NM_000060.4); short protein forms A315V, A335V.
Identifiers: ClinVar variation 1421753 (VCV001421753.9), dbSNP rs1465883743, ClinGen allele CA351607727.

ClinVar aggregate classification (germline): Uncertain significance (1 of 4 stars; one submission).

Conditions:
Biotinidase deficiency. Also called: BTD deficiency; Late-onset biotin-responsive multiple carboxylase deficiency; Biotin deficiency. Identifiers: Orphanet 79241, MedGen C0220754, MONDO:0009665, OMIM 253260.

Allele frequency attached by ClinVar (database versions not stated): gnomAD exomes 0.00001.
gnomAD v4.1: 3 of 1,614,142 alleles (0.00019%); highest among the groups gnomAD compares: Admixed American, 0.005%; no homozygotes.

Submission:

Labcorp Genetics (formerly Invitae), Labcorp
Classification: Uncertain significance for Biotinidase deficiency. Last evaluated: 2025-10-23. Review status: criteria provided, single submitter. Criteria: Invitae Variant Classification Sherloc (09022015). Collection method: clinical testing. Allele origin: germline.
Comment: This sequence change replaces alanine, which is neutral and non-polar, with valine, which is neutral and non-polar, at codon 335 of the BTD protein (p.Ala335Val). This variant is present in population databases (no rsID available, gnomAD 0.006%). This variant has not been reported in the literature in individuals affected with BTD-related conditions. ClinVar contains an entry for this variant (Variation ID: 1421753). Invitae Evidence Modeling of protein sequence and biophysical properties (such as structural, functional, and spatial information, amino acid conservation, physicochemical variation, residue mobility, and thermodynamic stability) indicates that this missense variant is expected to disrupt BTD protein function with a positive predictive value of 95%. In summary, the available evidence is currently insufficient to determine the role of this variant in disease. Therefore, it has been classified as a Variant of Uncertain Significance.